The following is an entry in ClinVar:

ClinVar aggregate classification (germline): Benign. Review status: criteria provided, multiple submitters, no conflicts (2 of 4 stars). 8 submissions from 8 submitters: Benign (5). 3 of the submissions do not count toward it. Last evaluated 2024-11-27.

Submissions (8):

Blueprint Genetics
Classification: Benign. Last evaluated: 2024-11-27. Review status: criteria provided, single submitter. Criteria: ACMG Guidelines, 2015. Collection method: clinical testing. Allele origin: germline.

Mayo Clinic Laboratories, Mayo Clinic
Classification: Benign. Last evaluated: 2022-09-23. Review status: criteria provided, single submitter. Criteria: ACMG Guidelines, 2015. Collection method: clinical testing. Allele origin: germline. Observed: 165 variant alleles.
Comment: BA1, BP4, BP7

GeneDx
Classification: Benign. Last evaluated: 2019-08-20. Review status: criteria provided, single submitter. Criteria: GeneDx Variant Classification Process June 2021. Collection method: clinical testing. Allele origin: germline. Affected: yes.

Labcorp Genetics (formerly Invitae), Labcorp
Classification: Benign. Last evaluated: 2017-09-28. Review status: criteria provided, single submitter. Criteria: Invitae Variant Classification Sherloc (09022015). Collection method: clinical testing. Allele origin: germline.

Genomic Diagnostic Laboratory, Division of Genomic Diagnostics, Children's Hospital of Philadelphia
Classification: Benign. Last evaluated: 2015-02-13. Review status: criteria provided, single submitter. Criteria: DGD Variant Analysis Guidelines. Collection method: clinical testing. Allele origin: unknown.

Clinical Genetics DNA and cytogenetics Diagnostics Lab, Erasmus MC, Erasmus Medical Center
Classification: Benign. Review status: no assertion criteria provided. Collection method: clinical testing. Allele origin: germline. Affected: yes. Study: VKGL Data-share Consensus. Not counted in ClinVar's aggregate classification.

Genome Diagnostics Laboratory, University Medical Center Utrecht
Classification: Benign. Review status: no assertion criteria provided. Collection method: clinical testing. Allele origin: germline. Affected: yes. Study: VKGL Data-share Consensus. Not counted in ClinVar's aggregate classification.

Laboratory of Diagnostic Genome Analysis, Leiden University Medical Center (LUMC)
Classification: Benign. Review status: no assertion criteria provided. Collection method: clinical testing. Allele origin: germline. Affected: yes. Study: VKGL Data-share Consensus. Not counted in ClinVar's aggregate classification.

NM_020632.3(ATP6V0A4):c.1030-5del

Gene: ATP6V0A4 (ATPase H+ transporting V0 subunit a4; minus strand). Cytogenetic location: 7q34.
Variant type: Deletion.
Coding change: c.1030-5del on transcript NM_020632.3 (MANE Select); 5 bases into the intron before coding-DNA position 1030, one base deleted (T; older notation c.1030-5delT).
Molecular consequence: intron variant.
Genome position (GRCh38, 1-based): chr7:138,749,322, A deleted on the plus strand (T on the coding strand, the reverse complement: ATP6V0A4 is on the minus strand); the first of 14 consecutive A bases (chr7:138,749,322-138,749,335); deleting any one gives the same sequence. VCF-style (leftmost placement, unchanged base first): chr7-138749321-GA-G. GRCh37 (hg19) VCF-style: chr7-138434066-GA-G.
Other names: p.?; c.1030-5del (NM_130840.3, NM_130841.3); c.1030-6delT (NM_020632.2).
Identifiers: ClinVar variation 218775 (VCV000218775.8), dbSNP rs752113040, ClinGen allele CA249187.
Genomic context (GRCh38, chr7:138,749,321, plus strand): 5'-GGCTGTTTTAGATTGCACTGTGGTCATGATGGGGGCCATGGAGGAGCCACTTAGTTCCTG[GA>G]AAAAAAAAAAAAAGCGACAAAGATGTAAGGAGAAGAGTCTTGGGCTGGGTGTCAGCACAA-3'